The following is an entry in ClinVar:

ClinVar aggregate classification (germline): Uncertain significance (1 of 4 stars; one submission).

Conditions:
Inborn genetic diseases. Identifiers: MedGen C0950123, MeSH D030342.

Submission:

Ambry Genetics
Classification: Uncertain significance for Inborn genetic diseases. Last evaluated: 2021-02-05. Review status: criteria provided, single submitter. Criteria: Ambry Variant Classification Scheme 2023. Collection method: clinical testing. Allele origin: germline.
Comment: The c.3620T>C (p.L1207P) alteration is located in exon 24 (coding exon 21) of the ZMYM2 gene. This alteration results from a T to C substitution at nucleotide position 3620, causing the leucine (L) at amino acid position 1207 to be replaced by a proline (P). Based on data from the Genome Aggregation Database (gnomAD), the ZMYM2 c.3620T>C alteration was not observed, with coverage at this position. The p.L1207 amino acid is conserved in available vertebrate species. The in silico prediction for the p.L1207P alteration is inconclusive. Based on insufficient or conflicting evidence, the clinical significance of this alteration remains unclear.

NM_197968.4(ZMYM2):c.3620T>C (p.Leu1207Pro)

Gene: ZMYM2 (zinc finger MYM-type containing 2; plus strand). Cytogenetic location: 13q12.11.
Variant type: single nucleotide variant.
Coding change: c.3620T>C on transcript NM_197968.4 (MANE Select); coding-DNA position 3620, T replaced by C.
Protein change: p.Leu1207Pro; replaces leucine 1207 with proline.
Molecular consequence: missense variant. On other transcripts: non-coding transcript variant (1).
Genome position (GRCh38, 1-based): chr13:20,082,832, T>C. VCF-style: chr13-20082832-T-C. GRCh37 (hg19) VCF-style: chr13-20656972-T-C.
Other names: c.3620T>C, p.Leu1207Pro (NM_001190964.4, NM_001190965.4, NM_001353157.2 and 4 more transcripts); c.3425T>C, p.Leu1142Pro (NM_001353161.3); c.3359T>C, p.Leu1120Pro (NM_001353163.2); short protein forms L1120P, L1142P, L1207P.
Identifiers: ClinVar variation 2389148 (VCV002389148.2), dbSNP rs2504626117, ClinGen allele CA387469477.